The following is an entry in ClinVar:

NM_020937.4(FANCM):c.419T>C (p.Met140Thr)

Gene: FANCM (FA complementation group M; plus strand). Cytogenetic location: 14q21.2.
Variant type: single nucleotide variant.
Coding change: c.419T>C on transcript NM_020937.4 (MANE Select); coding-DNA position 419, T replaced by C.
Protein change: p.Met140Thr; replaces methionine 140 with threonine.
Molecular consequence: missense variant.
Genome position (GRCh38, 1-based): chr14:45,136,450, T>C. VCF-style: chr14-45136450-T-C. GRCh37 (hg19) VCF-style: chr14-45605653-T-C.
Other names: c.419T>C, p.Met140Thr (NM_001308133.2, NM_001308134.2); short protein forms M140T.
Identifiers: ClinVar variation 956834 (VCV000956834.9), dbSNP rs1885514534, ClinGen allele CA389588189.

ClinVar aggregate classification (germline): Uncertain significance (1 of 4 stars; one submission).

Conditions:
Fanconi anemia (FA). Also called: Fanconi's anemia. Identifiers: Orphanet 84, MedGen C0015625, MeSH D005199, MONDO:0019391.

Allele frequency attached by ClinVar (database versions not stated): gnomAD exomes below 0.00001.

Submission:

Labcorp Genetics (formerly Invitae), Labcorp
Classification: Uncertain significance for Fanconi anemia. Last evaluated: 2019-07-19. Review status: criteria provided, single submitter. Criteria: Invitae Variant Classification Sherloc (09022015). Collection method: clinical testing. Allele origin: germline.
Comment: In summary, the available evidence is currently insufficient to determine the role of this variant in disease. Therefore, it has been classified as a Variant of Uncertain Significance. This sequence change replaces methionine with threonine at codon 140 of the FANCM protein (p.Met140Thr). The methionine residue is moderately conserved and there is a moderate physicochemical difference between methionine and threonine. This variant is not present in population databases (ExAC no frequency). This variant has not been reported in the literature in individuals with FANCM-related conditions. Algorithms developed to predict the effect of missense changes on protein structure and function are either unavailable or do not agree on the potential impact of this missense change (SIFT: "Tolerated"; PolyPhen-2: "Possibly Damaging"; Align-GVGD: "Class C0").